The following is an entry in ClinVar:

ClinVar aggregate classification (germline): Uncertain significance (1 of 4 stars; one submission).

Conditions:
Cardiovascular phenotype. Identifiers: MedGen CN230736.
Hereditary cancer-predisposing syndrome. Also called: Hereditary Cancer Syndrome; Hereditary neoplastic syndrome; Neoplastic Syndromes, Hereditary; Tumor predisposition. Identifiers: Orphanet 140162, MedGen C0027672, MeSH D009386, MONDO:0015356.

Submission:

Ambry Genetics
Classification: Uncertain significance for Cardiovascular phenotype; Hereditary cancer-predisposing syndrome. Last evaluated: 2025-05-21. Review status: criteria provided, single submitter. Criteria: Ambry Variant Classification Scheme 2023. Collection method: clinical testing. Allele origin: germline.
Comment: The p.R1505G variant (also known as c.4513A>G), located in coding exon 33 of the NF1 gene, results from an A to G substitution at nucleotide position 4513. The arginine at codon 1505 is replaced by glycine, an amino acid with dissimilar properties. This amino acid position is highly conserved in available vertebrate species. In addition, this alteration is predicted to be deleterious by in silico analysis. Based on the available evidence, the clinical significance of this variant remains unclear.

NM_001042492.3(NF1):c.4576A>G (p.Arg1526Gly)

Gene: NF1 (neurofibromin 1; plus strand). Cytogenetic location: 17q11.2.
Variant type: single nucleotide variant.
Coding change: c.4576A>G on transcript NM_001042492.3 (MANE Select); coding-DNA position 4576, A replaced by G.
Protein change: p.Arg1526Gly; replaces arginine 1526 with glycine.
Molecular consequence: missense variant.
Genome position (GRCh38, 1-based): chr17:31,260,514, A>G. VCF-style: chr17-31260514-A-G. GRCh37 (hg19) VCF-style: chr17-29587532-A-G.
Other names: c.4513A>G, p.Arg1505Gly (NM_000267.4); short protein forms R1505G, R1526G.
Identifiers: ClinVar variation 1741145 (VCV001741145.3), dbSNP rs2151464874, ClinGen allele CA398999981.